The following is an entry in ClinVar:

NM_012330.4(KAT6B):c.730+245C>T

Gene: KAT6B (lysine acetyltransferase 6B; plus strand). Cytogenetic location: 10q22.2.
Variant type: single nucleotide variant.
Coding change: c.730+245C>T on transcript NM_012330.4 (MANE Select); 245 bases into the intron after coding-DNA position 730, C replaced by T.
Molecular consequence: intron variant.
Genome position (GRCh38, 1-based): chr10:74,960,323, C>T. VCF-style: chr10-74960323-C-T. GRCh37 (hg19) VCF-style: chr10-76720081-C-T.
Other names: c.730+245C>T (NM_001370139.1, NM_001370136.1, NM_001370138.1 and 10 more transcripts); c.192+245C>T (NM_001370134.1, NM_001370135.1).
Identifiers: ClinVar variation 561581 (VCV000561581.1), dbSNP rs1868627, ClinGen allele CA209697556.

ClinVar aggregate classification (germline): Benign (1 of 4 stars; one submission).

Allele frequency attached by ClinVar (database versions not stated): gnomAD 0.12126 and 0.12501; TOPMed 0.12731; 1000 Genomes Project 0.18850; 1000 Genomes Project 30x 0.19066.
gnomAD v4.1: 18,833 of 151,890 alleles (12%); highest among the groups gnomAD compares: South Asian, 27%; 1,835 homozygotes.

Submission:

GeneDx
Classification: Benign. Last evaluated: 2018-06-19. Review status: criteria provided, single submitter. Criteria: GeneDx Variant Classification (06012015). Collection method: clinical testing. Allele origin: germline. Affected: yes.
Comment: This variant is considered likely benign or benign based on one or more of the following criteria: it is a conservative change, it occurs at a poorly conserved position in the protein, it is predicted to be benign by multiple in silico algorithms, and/or has population frequency not consistent with disease.